The following is an entry in ClinVar:

ClinVar aggregate classification (germline): Uncertain significance (1 of 4 stars; one submission).

Conditions:
Hereditary cancer-predisposing syndrome. Also called: Hereditary neoplastic syndrome; Neoplastic Syndromes, Hereditary; Tumor predisposition; Hereditary Cancer Syndrome. Identifiers: Orphanet 140162, MedGen C0027672, MeSH D009386, MONDO:0015356.

Submission:

Ambry Genetics
Classification: Uncertain significance for Hereditary cancer-predisposing syndrome. Last evaluated: 2025-08-28. Review status: criteria provided, single submitter. Criteria: Ambry Variant Classification Scheme 2023. Collection method: clinical testing. Allele origin: germline.
Comment: The p.M676L variant (also known as c.2026A>T), located in coding exon 12 of the PMS2 gene, results from an A to T substitution at nucleotide position 2026. The methionine at codon 676 is replaced by leucine, an amino acid with highly similar properties. This amino acid position is conserved. In addition, this alteration is predicted to be deleterious by in silico analysis. Based on the available evidence, the clinical significance of this variant remains unclear.

NM_000535.7(PMS2):c.2026A>T (p.Met676Leu)

Gene: PMS2 (PMS1 homolog 2, mismatch repair system component; minus strand). Cytogenetic location: 7p22.1.
Variant type: single nucleotide variant.
Coding change: c.2026A>T on transcript NM_000535.7 (MANE Select); coding-DNA position 2026, A replaced by T.
Protein change: p.Met676Leu; replaces methionine 676 with leucine.
Molecular consequence: missense variant. On other transcripts: non-coding transcript variant (1), intron variant (4).
Genome position (GRCh38, 1-based): chr7:5,982,972, T>A on the plus strand (A>T on the coding strand, the complement: PMS2 is on the minus strand). VCF-style: chr7-5982972-T-A. GRCh37 (hg19) VCF-style: chr7-6022603-T-A.
Other names: c.1918A>T, p.Met640Leu (NM_001406869.1); c.1870A>T, p.Met624Leu (NM_001406870.1, NM_001322006.2); c.2026A>T, p.Met676Leu (NM_001406871.1, NM_001322014.2); c.1828A>T, p.Met610Leu (NM_001406873.1); c.1858A>T, p.Met620Leu (NM_001406874.1); c.1717A>T, p.Met573Leu (NM_001406875.1, NM_001406877.1, NM_001406878.1 and 5 more transcripts); c.1708A>T, p.Met570Leu (NM_001406876.1, NM_001322007.2, NM_001322008.2 and 1 more transcripts); c.1621A>T, p.Met541Leu (NM_001406889.1, NM_001406890.1, NM_001406891.1 and 14 more transcripts); and 16 more; short protein forms M275L, M541L, M564L, M610L, M365L, M554L, M570L, M573L.
Identifiers: ClinVar variation 4140515 (VCV004140515.1).